The following is an entry in ClinVar:

NM_022124.6(CDH23):c.2462A>G (p.Asn821Ser)

Gene: CDH23 (cadherin related 23; plus strand). Cytogenetic location: 10q22.1.
Variant type: single nucleotide variant.
Coding change: c.2462A>G on transcript NM_022124.6 (MANE Select); coding-DNA position 2462, A replaced by G.
Protein change: p.Asn821Ser; replaces asparagine 821 with serine.
Molecular consequence: missense variant.
Genome position (GRCh38, 1-based): chr10:71,702,086, A>G. VCF-style: chr10-71702086-A-G. GRCh37 (hg19) VCF-style: chr10-73461843-A-G.
Other names: c.2462A>G, p.Asn821Ser (NM_001171930.2, NM_001171931.2); c.2462A>G (NM_022124.5); short protein forms N821S.
Identifiers: ClinVar variation 1052103 (VCV001052103.8), dbSNP rs774080275, ClinGen allele CA5544228.

ClinVar aggregate classification (germline): Uncertain significance. Review status: criteria provided, multiple submitters, no conflicts (2 of 4 stars). 5 submissions from 5 submitters: Uncertain significance (4). 1 of the submissions does not count toward it. Last evaluated 2024-05-20.

Conditions:
Inborn genetic diseases. Identifiers: MedGen C0950123, MeSH D030342.
Usher syndrome type 1 (USH1). Also called: RETINITIS PIGMENTOSA AND CONGENITAL DEAFNESS. Identifiers: Orphanet 231169, Orphanet 886, MedGen C1568247, MONDO:0010168, OMIM 276900.

Allele frequency attached by ClinVar (database versions not stated): ExAC 0.00002; gnomAD exomes below 0.00001 and 0.00001; TOPMed 0.00002.
gnomAD v4.1: 5 of 1,613,946 alleles (0.00031%); highest among the groups gnomAD compares: East Asian, 0.0089%; no homozygotes.

Submissions (5):

Labcorp Genetics (formerly Invitae), Labcorp
Classification: Uncertain significance. Last evaluated: 2024-05-20. Review status: criteria provided, single submitter. Criteria: Invitae Variant Classification Sherloc (09022015). Collection method: clinical testing. Allele origin: germline.
Comment: This sequence change replaces asparagine, which is neutral and polar, with serine, which is neutral and polar, at codon 821 of the CDH23 protein (p.Asn821Ser). This variant is present in population databases (rs774080275, gnomAD 0.01%). This variant has not been reported in the literature in individuals affected with CDH23-related conditions. ClinVar contains an entry for this variant (Variation ID: 1052103). Advanced modeling of protein sequence and biophysical properties (such as structural, functional, and spatial information, amino acid conservation, physicochemical variation, residue mobility, and thermodynamic stability) performed at Invitae indicates that this missense variant is not expected to disrupt CDH23 protein function with a negative predictive value of 95%. In summary, the available evidence is currently insufficient to determine the role of this variant in disease. Therefore, it has been classified as a Variant of Uncertain Significance.

Blueprint Genetics
Classification: Uncertain significance. Last evaluated: 2023-04-24. Review status: criteria provided, single submitter. Criteria: ACMG Guidelines, 2015. Collection method: clinical testing. Allele origin: germline.

Ambry Genetics
Classification: Uncertain significance for Inborn genetic diseases. Last evaluated: 2022-06-01. Review status: criteria provided, single submitter. Criteria: Ambry Variant Classification Scheme 2023. Collection method: clinical testing. Allele origin: germline.

Breakthrough Genomics
Classification: Uncertain significance. Review status: criteria provided, single submitter. Criteria: ACMG Guidelines, 2015. Collection method: not provided. Allele origin: germline. Inheritance: Autosomal recessive inheritance. Affected: yes.

Natera, Inc.
Classification: Uncertain significance for Usher syndrome type 1. Last evaluated: 2020-05-12. Review status: no assertion criteria provided. Collection method: clinical testing. Allele origin: germline. Not counted in ClinVar's aggregate classification.